The following is an entry in ClinVar:

NM_024675.4(PALB2):c.3202-3T>G

Gene: PALB2 (partner and localizer of BRCA2; minus strand). Cytogenetic location: 16p12.2.
Variant type: single nucleotide variant.
Coding change: c.3202-3T>G on transcript NM_024675.4 (MANE Select); 3 bases into the intron before coding-DNA position 3202, T replaced by G.
Molecular consequence: intron variant.
Genome position (GRCh38, 1-based): chr16:23,608,015, A>C on the plus strand (T>G on the coding strand, the complement: PALB2 is on the minus strand). VCF-style: chr16-23608015-A-C. GRCh37 (hg19) VCF-style: chr16-23619336-A-C.
Other names: c.2229-4346T>G (NM_001407308.1, NM_001407309.1); c.2317-3T>G (NM_001407306.1, NM_001407305.1, NM_001407304.1); c.736-3T>G (NM_001407314.1); c.1414-4346T>G (NM_001407313.1); c.1414-3T>G (NM_001407312.1); c.3142-3T>G (NM_001407296.1); c.3130-3T>G (NM_001407297.1); c.3040-4346T>G (NM_001407302.1); and 6 more.
Identifiers: ClinVar variation 3228025 (VCV003228025.1), dbSNP rs2142274515, ClinGen allele CA2732057146.

ClinVar aggregate classification (germline): Uncertain significance (1 of 4 stars; one submission).

Conditions:
Hereditary cancer-predisposing syndrome. Also called: Neoplastic Syndromes, Hereditary; Tumor predisposition; Hereditary neoplastic syndrome; Hereditary Cancer Syndrome. Identifiers: Orphanet 140162, MedGen C0027672, MeSH D009386, MONDO:0015356.

Submission:

Ambry Genetics
Classification: Uncertain significance for Hereditary cancer-predisposing syndrome. Last evaluated: 2023-10-06. Review status: criteria provided, single submitter. Criteria: Ambry Variant Classification Scheme 2023. Collection method: clinical testing. Allele origin: germline.
Comment: The c.3202-3T>G intronic variant results from a T to G substitution 3 nucleotides upstream from coding exon 12 in the PALB2 gene. This nucleotide position is not well conserved in available vertebrate species. In silico splice site analysis predicts that this alteration may weaken the native splice acceptor site; however, direct evidence is insufficient at this time (Ambry internal data). Since supporting evidence is limited at this time, the clinical significance of this alteration remains unclear.